The following is an entry in ClinVar:

ClinVar aggregate classification (germline): Uncertain significance (1 of 4 stars; one submission).

Conditions:
Neurofibromatosis, type 1 (NF1). Also called: Peripheral type neurofibromatosis; VON RECKLINGHAUSEN DISEASE; Neurofibromatosis, type I; NEUROFIBROMATOSIS, TYPE I, SOMATIC. Identifiers: Orphanet 636, MedGen C0027831, MONDO:0018975, OMIM 162200. Disease mechanism: loss of function.

Submission:

Labcorp Genetics (formerly Invitae), Labcorp
Classification: Uncertain significance for Neurofibromatosis, type 1. Last evaluated: 2019-11-28. Review status: criteria provided, single submitter. Criteria: Invitae Variant Classification Sherloc (09022015). Collection method: clinical testing. Allele origin: germline.
Comment: In summary, the available evidence is currently insufficient to determine the role of this variant in disease. Therefore, it has been classified as a Variant of Uncertain Significance. Experimental studies and prediction algorithms are not available or were not evaluated, and the functional significance of this variant is currently unknown. This variant has not been reported in the literature in individuals with NF1-related conditions. This variant is not present in population databases (ExAC no frequency). This variant, c.5321_5347del, results in the deletion of 9 amino acid(s) of the NF1 protein (p.Asp1774_Ile1782del), but otherwise preserves the integrity of the reading frame.

NM_001042492.3(NF1):c.5384_5410del (p.Asp1795_Ile1803del)

Gene: NF1 (neurofibromin 1; plus strand). Cytogenetic location: 17q11.2.
Variant type: Deletion.
Coding change: c.5384_5410del on transcript NM_001042492.3 (MANE Select); coding-DNA positions 5384 to 5410, 27 bases deleted (ATGAGAACCAGTTCACCTTAACCATTG).
Protein change: p.Asp1795_Ile1803del.
Molecular consequence: inframe deletion. On other transcripts: inframe indel (1).
Genome position (GRCh38, 1-based): chr17:31,327,614-31,327,640, ATGAGAACCAGTTCACCTTAACCATTG deleted; deleting any 27 consecutive bases within chr17:31,327,613-31,327,640 gives the same sequence; the c. name uses the placement nearest the transcript's 3' end. VCF-style (leftmost placement, unchanged base first): chr17-31327612-AGATGAGAACCAGTTCACCTTAACCATT-A. GRCh37 (hg19) VCF-style: chr17-29654630-AGATGAGAACCAGTTCACCTTAACCATT-A.
Other names: c.5321_5347del27, p.Asp1774_Ile1782del (NM_000267.4).
Identifiers: ClinVar variation 840667 (VCV000840667.6), dbSNP rs2069378982, ClinGen allele CA916080624.